The following is an entry in ClinVar:

ClinVar aggregate classification (germline): Uncertain significance (1 of 4 stars; one submission).

Conditions:
TMEM165-congenital disorder of glycosylation. Also called: CDG IIk; Congenital disorder of glycosylation type 2k; TMEM165-CDG. Identifiers: Orphanet 314667, MedGen C3553571, MONDO:0013870, OMIM 614727.

Submission:

Labcorp Genetics (formerly Invitae), Labcorp
Classification: Uncertain significance for TMEM165-congenital disorder of glycosylation. Last evaluated: 2024-12-12. Review status: criteria provided, single submitter. Criteria: Invitae Variant Classification Sherloc (09022015). Collection method: clinical testing. Allele origin: germline.
Comment: This sequence change replaces proline, which is neutral and non-polar, with leucine, which is neutral and non-polar, at codon 57 of the TMEM165 protein (p.Pro57Leu). This variant is not present in population databases (gnomAD no frequency). This variant has not been reported in the literature in individuals affected with TMEM165-related conditions. An algorithm developed to predict the effect of missense changes on protein structure and function (PolyPhen-2) suggests that this variant is likely to be tolerated. In summary, the available evidence is currently insufficient to determine the role of this variant in disease. Therefore, it has been classified as a Variant of Uncertain Significance.

NM_018475.5(TMEM165):c.170C>T (p.Pro57Leu)

Genes: TMEM165 (transmembrane protein 165; plus strand), LOC129992613 (ATAC-STARR-seq lymphoblastoid silent region 15439; plus strand). Cytogenetic location: 4q12.
Variant type: single nucleotide variant.
Coding change: c.170C>T on transcript NM_018475.5 (MANE Select); coding-DNA position 170, C replaced by T.
Protein change: p.Pro57Leu; replaces proline 57 with leucine.
Molecular consequence: missense variant. On other transcripts: non-coding transcript variant (1).
Genome position (GRCh38, 1-based): chr4:55,396,359, C>T. VCF-style: chr4-55396359-C-T. GRCh37 (hg19) VCF-style: chr4-56262526-C-T.
Other names: short protein forms P57L.
Identifiers: ClinVar variation 3674595 (VCV003674595.2).